The following is an entry in ClinVar:

NM_002519.3(NPAT):c.415A>G (p.Thr139Ala)

Gene: NPAT (nuclear protein, coactivator of histone transcription; minus strand). Cytogenetic location: 11q22.3.
Variant type: single nucleotide variant.
Coding change: c.415A>G on transcript NM_002519.3 (MANE Select); coding-DNA position 415, A replaced by G.
Protein change: p.Thr139Ala; replaces threonine 139 with alanine.
Molecular consequence: missense variant.
Genome position (GRCh38, 1-based): chr11:108,189,247, T>C on the plus strand (A>G on the coding strand, the complement: NPAT is on the minus strand). VCF-style: chr11-108189247-T-C. GRCh37 (hg19) VCF-style: chr11-108059974-T-C.
Other names: c.415A>G, p.Thr139Ala (NM_001321307.1); short protein forms T139A.
Identifiers: ClinVar variation 1738320 (VCV001738320.3), dbSNP rs2496745742, ClinGen allele CA382524966.

ClinVar aggregate classification (germline): Uncertain significance (1 of 4 stars; one submission).

Submission:

Ambry Genetics
Classification: Uncertain significance. Last evaluated: 2023-08-04. Review status: criteria provided, single submitter. Criteria: Ambry Variant Classification Scheme 2023. Collection method: clinical testing. Allele origin: germline.
Comment: The p.T139A variant (also known as c.415A>G), located in coding exon 6 of the NPAT gene, results from an A to G substitution at nucleotide position 415. The threonine at codon 139 is replaced by alanine, an amino acid with similar properties. This amino acid position is conserved. In addition, this alteration is predicted to be tolerated by in silico analysis. Since supporting evidence is limited at this time, the clinical significance of this alteration remains unclear.